The following is an entry in ClinVar:

ClinVar aggregate classification (germline): Uncertain significance. Review status: criteria provided, multiple submitters, no conflicts (2 of 4 stars). 2 submissions from 2 submitters: Uncertain significance (2). Last evaluated 2024-09-21.

Conditions:
Renal cell carcinoma. Identifiers: Orphanet 217071, MedGen C0007134, MeSH D002292, MONDO:0005086, HP:0005584.
Hereditary cancer-predisposing syndrome. Also called: Tumor predisposition; Neoplastic Syndromes, Hereditary; Hereditary neoplastic syndrome; Hereditary Cancer Syndrome. Identifiers: Orphanet 140162, MedGen C0027672, MeSH D009386, MONDO:0015356.

Allele frequency attached by ClinVar (database versions not stated): gnomAD exomes below 0.00001; ExAC 0.00001; TOPMed 0.00001.

Submissions (2):

Ambry Genetics
Classification: Uncertain significance for Hereditary cancer-predisposing syndrome. Last evaluated: 2024-09-21. Review status: criteria provided, single submitter. Criteria: Ambry Variant Classification Scheme 2023. Collection method: clinical testing. Allele origin: germline.
Comment: The p.E1350Q variant (also known as c.4048G>C), located in coding exon 20 of the MET gene, results from a G to C substitution at nucleotide position 4048. The glutamic acid at codon 1350 is replaced by glutamine, an amino acid with highly similar properties. This amino acid position is conserved. In addition, the in silico prediction for this alteration is inconclusive. Based on the available evidence, the clinical significance of this variant remains unclear.

Labcorp Genetics (formerly Invitae), Labcorp
Classification: Uncertain significance for Renal cell carcinoma. Last evaluated: 2020-10-27. Review status: criteria provided, single submitter. Criteria: Invitae Variant Classification Sherloc (09022015). Collection method: clinical testing. Allele origin: germline.
Comment: This variant has not been reported in the literature in individuals with MET-related conditions. In summary, the available evidence is currently insufficient to determine the role of this variant in disease. Therefore, it has been classified as a Variant of Uncertain Significance. Algorithms developed to predict the effect of missense changes on protein structure and function are either unavailable or do not agree on the potential impact of this missense change (SIFT: "Deleterious"; PolyPhen-2: "Probably Damaging"; Align-GVGD: "Class C0"). This variant is present in population databases (rs748382550, ExAC 0.009%). This sequence change replaces glutamic acid with glutamine at codon 1350 of the MET protein (p.Glu1350Gln). The glutamic acid residue is highly conserved and there is a small physicochemical difference between glutamic acid and glutamine.

NM_000245.4(MET):c.3994G>C (p.Glu1332Gln)

Gene: MET (MET proto-oncogene, receptor tyrosine kinase; plus strand). Cytogenetic location: 7q31.2.
Variant type: single nucleotide variant.
Coding change: c.3994G>C on transcript NM_000245.4 (MANE Select); coding-DNA position 3994, G replaced by C.
Protein change: p.Glu1332Gln; replaces glutamic acid 1332 with glutamine.
Molecular consequence: missense variant.
Genome position (GRCh38, 1-based): chr7:116,795,945, G>C. VCF-style: chr7-116795945-G-C. GRCh37 (hg19) VCF-style: chr7-116435999-G-C.
Other names: c.4048G>C, p.Glu1350Gln (NM_001127500.3); c.2704G>C, p.Glu902Gln (NM_001324402.2); c.4048G>C (NM_001127500.1); short protein forms E1332Q, E1350Q, E902Q.
Identifiers: ClinVar variation 1018553 (VCV001018553.8), dbSNP rs748382550, ClinGen allele CA4448816.